The following is an entry in ClinVar:

NM_000286.3(PEX12):c.459del (p.Lys153fs)

Gene: PEX12 (peroxisomal biogenesis factor 12; minus strand). Cytogenetic location: 17q12.
Variant type: Deletion.
Coding change: c.459del on transcript NM_000286.3 (MANE Select); coding-DNA position 459, one base deleted (A; older notation c.459delA).
Protein change: p.Lys153fs; shifts the reading frame from lysine 153.
Molecular consequence: frameshift variant.
Genome position (GRCh38, 1-based): chr17:35,577,259, T deleted on the plus strand (A on the coding strand, the reverse complement: PEX12 is on the minus strand); the first of 3 consecutive T bases (chr17:35,577,259-35,577,261); deleting any one gives the same sequence. VCF-style (leftmost placement, unchanged base first): chr17-35577258-GT-G. GRCh37 (hg19) VCF-style: chr17-33904277-GT-G.
Other names: short protein forms K153fs.
Identifiers: ClinVar variation 2118321 (VCV002118321.4), dbSNP rs2072790992, ClinGen allele CA2580093590.

ClinVar aggregate classification (germline): Pathogenic (1 of 4 stars; one submission).

Conditions:
Peroxisome biogenesis disorder 3A (Zellweger). Also called: PEROXISOMAL BIOGENESIS DISORDER 3A (ZELLWEGER); Peroxisome biogenesis disorder 3A. Identifiers: Orphanet 912, MedGen C3553929, MONDO:0013927, OMIM 614859.

Submission:

Labcorp Genetics (formerly Invitae), Labcorp
Classification: Pathogenic for Peroxisome biogenesis disorder 3A (Zellweger). Last evaluated: 2022-03-27. Review status: criteria provided, single submitter. Criteria: Invitae Variant Classification Sherloc (09022015). Collection method: clinical testing. Allele origin: germline.
Comment: For these reasons, this variant has been classified as Pathogenic. This variant has not been reported in the literature in individuals affected with PEX12-related conditions. This variant is not present in population databases (gnomAD no frequency). This sequence change creates a premature translational stop signal (p.Lys153Asnfs*14) in the PEX12 gene. It is expected to result in an absent or disrupted protein product. Loss-of-function variants in PEX12 are known to be pathogenic (PMID: 9090384, 9632816, 21031596).

Literature cited by the submitters: PubMed 9090384; PubMed 9632816; PubMed 21031596.